The following is an entry in ClinVar:

ClinVar aggregate classification (germline): Benign (1 of 4 stars; one submission).

Allele frequency attached by ClinVar (database versions not stated): 1000 Genomes Project 30x 0.00390; 1000 Genomes Project 0.00419; gnomAD 0.00452 and 0.00496; TOPMed 0.00536.

Submission:

GeneDx
Classification: Benign. Last evaluated: 2016-12-07. Review status: criteria provided, single submitter. Criteria: GeneDx Variant Classification (06012015). Collection method: clinical testing. Allele origin: germline. Affected: yes.
Comment: This variant is considered likely benign or benign based on one or more of the following criteria: it is a conservative change, it occurs at a poorly conserved position in the protein, it is predicted to be benign by multiple in silico algorithms, and/or has population frequency not consistent with disease.

NM_001006630.2(CHRM2):c.-64C>G

Genes: CHRM2 (cholinergic receptor muscarinic 2; plus strand), LOC349160 (uncharacterized LOC349160; minus strand). Cytogenetic location: 7q33.
Variant type: single nucleotide variant.
Coding change: c.-64C>G on transcript NM_001006630.2 (MANE Select); 64 bases upstream of the start codon, C replaced by G.
Molecular consequence: 5 prime UTR variant. On other transcripts: intron variant (4).
Genome position (GRCh38, 1-based): chr7:136,992,247, C>G. VCF-style: chr7-136992247-C-G. GRCh37 (hg19) VCF-style: chr7-136676994-C-G.
Other names: c.-64C>G (NM_000739.3, NM_001006626.3, NM_001006628.3 and 2 more transcripts); c.-46-22573C>G (NM_001006627.3, NM_001006632.3, NM_001378973.1 and 1 more transcripts).
Identifiers: ClinVar variation 389969 (VCV000389969.1), dbSNP rs77494695, ClinGen allele CA16605231.